The following is an entry in ClinVar:

NM_017654.4(SAMD9):c.2543C>T (p.Pro848Leu)

Gene: SAMD9 (sterile alpha motif domain containing 9; minus strand). Cytogenetic location: 7q21.2.
Variant type: single nucleotide variant.
Coding change: c.2543C>T on transcript NM_017654.4 (MANE Select); coding-DNA position 2543, C replaced by T.
Protein change: p.Pro848Leu; replaces proline 848 with leucine.
Molecular consequence: missense variant.
Genome position (GRCh38, 1-based): chr7:93,103,555, G>A on the plus strand (C>T on the coding strand, the complement: SAMD9 is on the minus strand). VCF-style: chr7-93103555-G-A. GRCh37 (hg19) VCF-style: chr7-92732868-G-A.
Other names: c.2543C>T, p.Pro848Leu (NM_001193307.2); short protein forms P848L.
Identifiers: ClinVar variation 4629843 (VCV004629843.1).

ClinVar aggregate classification (germline): Uncertain significance (1 of 4 stars; one submission).

Conditions:
Inborn genetic diseases. Identifiers: MedGen C0950123, MeSH D030342.

Submission:

Ambry Genetics
Classification: Uncertain significance for Inborn genetic diseases. Last evaluated: 2025-10-02. Review status: criteria provided, single submitter. Criteria: Ambry Variant Classification Scheme 2023. Collection method: clinical testing. Allele origin: germline.
Comment: The p.P848L variant (also known as c.2543C>T), located in coding exon 1 of the SAMD9 gene, results from a C to T substitution at nucleotide position 2543. The proline at codon 848 is replaced by leucine, an amino acid with similar properties. This amino acid position is conserved. In addition, this alteration is predicted to be tolerated by in silico analysis. Based on the available evidence, the clinical significance of this variant remains unclear.